The following is an entry in ClinVar:

ClinVar aggregate classification (germline): Uncertain significance (1 of 4 stars; one submission).

Conditions:
Long QT syndrome (LQTS). Identifiers: MedGen C0023976, MeSH D008133, MONDO:0002442. Disease mechanism: loss of function. Inheritance: Various modes of inheritance.

Submission:

Labcorp Genetics (formerly Invitae), Labcorp
Classification: Uncertain significance for Long QT syndrome. Last evaluated: 2020-09-25. Review status: criteria provided, single submitter. Criteria: Invitae Variant Classification Sherloc (09022015). Collection method: clinical testing. Allele origin: germline.
Comment: In summary, the available evidence is currently insufficient to determine the role of this variant in disease. Therefore, it has been classified as a Variant of Uncertain Significance. Algorithms developed to predict the effect of missense changes on protein structure and function output the following: SIFT: "Tolerated"; PolyPhen-2: "Benign"; Align-GVGD: "Class C0". The alanine amino acid residue is found in multiple mammalian species, suggesting that this missense change does not adversely affect protein function. These predictions have not been confirmed by published functional studies and their clinical significance is uncertain. This variant has not been reported in the literature in individuals with KCNH2-related conditions. The frequency data for this variant in the population databases is considered unreliable, as metrics indicate insufficient coverage at this position in the ExAC database. This sequence change replaces serine with alanine at codon 179 of the KCNH2 protein (p.Ser179Ala). The serine residue is weakly conserved and there is a moderate physicochemical difference between serine and alanine.

NM_000238.4(KCNH2):c.535T>G (p.Ser179Ala)

Gene: KCNH2 (potassium voltage-gated channel subfamily H member 2; minus strand). Cytogenetic location: 7q36.1.
Variant type: single nucleotide variant.
Coding change: c.535T>G on transcript NM_000238.4 (MANE Select); coding-DNA position 535, T replaced by G.
Protein change: p.Ser179Ala; replaces serine 179 with alanine.
Molecular consequence: missense variant.
Genome position (GRCh38, 1-based): chr7:150,958,440, A>C on the plus strand (T>G on the coding strand, the complement: KCNH2 is on the minus strand). VCF-style: chr7-150958440-A-C. GRCh37 (hg19) VCF-style: chr7-150655528-A-C.
Other names: c.247T>G, p.Ser83Ala (NM_001406753.1, NM_001406756.1); c.358T>G, p.Ser120Ala (NM_001406755.1); c.235T>G, p.Ser79Ala (NM_001406757.1); c.535T>G, p.Ser179Ala (NM_172056.3); short protein forms S179A, S120A, S79A, S83A.
Identifiers: ClinVar variation 1059858 (VCV001059858.10), dbSNP rs2117006847, ClinGen allele CA369863396.